The following is an entry in ClinVar:

ClinVar aggregate classification (germline): Uncertain significance (1 of 4 stars; one submission).

Submission:

Labcorp Genetics (formerly Invitae), Labcorp
Classification: Uncertain significance. Last evaluated: 2025-12-23. Review status: criteria provided, single submitter. Criteria: Invitae Variant Classification Sherloc (09022015). Collection method: clinical testing. Allele origin: germline.
Comment: This variant, c.116_117ins33, results in the insertion of 11 amino acid(s) of the ATP6AP1 protein (p.Ala41_Glu42ins11), but otherwise preserves the integrity of the reading frame. This variant is not present in population databases (gnomAD no frequency). This variant has not been reported in the literature in individuals affected with ATP6AP1-related conditions. Experimental studies and prediction algorithms are not available or were not evaluated, and the functional significance of this variant is currently unknown. In summary, the available evidence is currently insufficient to determine the role of this variant in disease. Therefore, it has been classified as a Variant of Uncertain Significance.

NM_001183.6(ATP6AP1):c.96GGC[18] (p.Ala41_Glu42insAlaAlaAlaAlaAlaAlaAlaAlaAlaAlaAla)

Gene: ATP6AP1 (ATPase H+ transporting accessory protein 1; plus strand). Cytogenetic location: Xq28.
Variant type: Microsatellite.
Coding change: c.96GGC[18] on transcript NM_001183.6 (MANE Select); 18 copies in a row of the 3-base unit GGC starting at c.96.
Protein change: p.Ala41_Glu42insAlaAlaAlaAlaAlaAlaAlaAlaAlaAlaAla.
Molecular consequence: inframe insertion.
Genome position: GRCh38, VCF-style position (the base before the change): chrX:154,428,787. GRCh37 (hg19), VCF-style position (the base before the change): chrX:153,657,133.
Identifiers: ClinVar variation 2103331 (VCV002103331.4), dbSNP rs781797236, ClinGen allele CA2580612522.